The following is an entry in ClinVar:

NM_001365999.1(SZT2):c.8716G>T (p.Glu2906Ter)

Gene: SZT2 (SZT2 subunit of KICSTOR complex; plus strand). Cytogenetic location: 1p34.2.
Variant type: single nucleotide variant.
Coding change: c.8716G>T on transcript NM_001365999.1 (MANE Select); coding-DNA position 8716, G replaced by T.
Protein change: p.Glu2906Ter; replaces glutamic acid 2906 with a stop codon.
Molecular consequence: nonsense.
Genome position (GRCh38, 1-based): chr1:43,443,687, G>T. VCF-style: chr1-43443687-G-T. GRCh37 (hg19) VCF-style: chr1-43909358-G-T.
Other names: c.8545G>T, p.Glu2849Ter (NM_015284.4); c.157G>T, p.Glu53Ter (NM_024547.1); short protein forms E2849*, E2906*, E53*.
Identifiers: ClinVar variation 2417745 (VCV002417745.6), dbSNP rs749175955, ClinGen allele CA810662.
Genomic context (GRCh38, chr1:43,443,687, plus strand): 5'-AGCCGAGAGGCCCCCACAAGCTGTGAATCCTTGGATGTGTCGCCCCCGGGAGCCCGTGAG[G>T]AGCCTTGGCTGAAGGAGCTGAGCTTGGCTTTCCTGCAGCAATATGTGCAGTATCTGCAGA-3'

ClinVar aggregate classification (germline): Pathogenic (1 of 4 stars; one submission).

Allele frequency attached by ClinVar (database versions not stated): gnomAD exomes below 0.00001; ExAC 0.00001.
gnomAD v4.1: 4 of 1,614,226 alleles (0.00025%); highest among the groups gnomAD compares: Non-Finnish European, 0.00034%; no homozygotes.

Submission:

Labcorp Genetics (formerly Invitae), Labcorp
Classification: Pathogenic. Last evaluated: 2022-09-15. Review status: criteria provided, single submitter. Criteria: Invitae Variant Classification Sherloc (09022015). Collection method: clinical testing. Allele origin: germline.
Comment: This sequence change creates a premature translational stop signal (p.Glu2849*) in the SZT2 gene. It is expected to result in an absent or disrupted protein product. Loss-of-function variants in SZT2 are known to be pathogenic (PMID: 23932106, 27248490, 28556953). The frequency data for this variant in the population databases is considered unreliable, as metrics indicate poor data quality at this position in the gnomAD database. This variant has not been reported in the literature in individuals affected with SZT2-related conditions. Algorithms developed to predict the effect of sequence changes on RNA splicing suggest that this variant may disrupt the consensus splice site. For these reasons, this variant has been classified as Pathogenic.

Literature cited by the submitters: PubMed 23932106; PubMed 27248490; PubMed 28556953.